The following is an entry in ClinVar:

ClinVar aggregate classification (germline): Uncertain significance. Review status: criteria provided, multiple submitters, no conflicts (2 of 4 stars). 2 submissions from 2 submitters: Uncertain significance (2). Last evaluated 2026-05-21.

Conditions:
POT1-related disorder. Also called: POT1-related condition.
Tumor predisposition syndrome 3 (TPDS3). Also called: Glioma susceptibility 9; LONG TELOMERE SYNDROME, POT1-RELATED; POT1 Tumor Predisposition; Melanoma, cutaneous malignant, susceptibility to, 10. Identifiers: Orphanet 618, MedGen C4014476, MONDO:0014368, OMIM 615848.

Submissions (2):

PreventionGenetics, part of Exact Sciences
Classification: Uncertain significance for POT1-related condition. Last evaluated: 2026-05-21. Review status: criteria provided, single submitter. Criteria: ACMG Guidelines, 2015. Collection method: clinical testing. Allele origin: germline.
Comment: The POT1 c.785A>G variant is predicted to result in the amino acid substitution p.Glu262Gly. To our knowledge, this variant has not been reported in the literature or in a large population database (gnomAD), indicating this variant is rare. It is classified as uncertain in ClinVar (Variation ID: 3623579). At this time, the clinical significance of this variant is uncertain due to the absence of conclusive functional and genetic evidence.

Labcorp Genetics (formerly Invitae), Labcorp
Classification: Uncertain significance for Tumor predisposition syndrome 3. Last evaluated: 2024-07-21. Review status: criteria provided, single submitter. Criteria: Invitae Variant Classification Sherloc (09022015). Collection method: clinical testing. Allele origin: germline.
Comment: This sequence change replaces glutamic acid, which is acidic and polar, with glycine, which is neutral and non-polar, at codon 262 of the POT1 protein (p.Glu262Gly). This variant is not present in population databases (gnomAD no frequency). This variant has not been reported in the literature in individuals affected with POT1-related conditions. Advanced modeling of protein sequence and biophysical properties (such as structural, functional, and spatial information, amino acid conservation, physicochemical variation, residue mobility, and thermodynamic stability) performed at Invitae indicates that this missense variant is not expected to disrupt POT1 protein function with a negative predictive value of 80%. In summary, the available evidence is currently insufficient to determine the role of this variant in disease. Therefore, it has been classified as a Variant of Uncertain Significance.

NM_015450.3(POT1):c.785A>G (p.Glu262Gly)

Gene: POT1 (protection of telomeres 1; minus strand). Cytogenetic location: 7q31.33.
Variant type: single nucleotide variant.
Coding change: c.785A>G on transcript NM_015450.3 (MANE Select); coding-DNA position 785, A replaced by G.
Protein change: p.Glu262Gly; replaces glutamic acid 262 with glycine.
Molecular consequence: missense variant. On other transcripts: non-coding transcript variant (3).
Genome position (GRCh38, 1-based): chr7:124,853,056, T>C on the plus strand (A>G on the coding strand, the complement: POT1 is on the minus strand). VCF-style: chr7-124853056-T-C. GRCh37 (hg19) VCF-style: chr7-124493110-T-C.
Other names: c.392A>G, p.Glu131Gly (NM_001042594.2); c.785A>G (NM_015450.2); short protein forms E131G, E262G.
Identifiers: ClinVar variation 3623579 (VCV003623579.3).